The following is an entry in ClinVar:

NM_006059.4(LAMC3):c.2390C>T (p.Pro797Leu)

Gene: LAMC3 (laminin subunit gamma 3; plus strand). Cytogenetic location: 9q34.12.
Variant type: single nucleotide variant.
Coding change: c.2390C>T on transcript NM_006059.4 (MANE Select); coding-DNA position 2390, C replaced by T.
Protein change: p.Pro797Leu; replaces proline 797 with leucine.
Molecular consequence: missense variant.
Genome position (GRCh38, 1-based): chr9:131,067,002, C>T. VCF-style: chr9-131067002-C-T. GRCh37 (hg19) VCF-style: chr9-133942389-C-T.
Other names: c.2390C>T (NM_006059.3); short protein forms P797L.
Identifiers: ClinVar variation 1596170 (VCV001596170.9), dbSNP rs150965854, ClinGen allele CA5287429.

ClinVar aggregate classification (germline): Conflicting classifications of pathogenicity. Review status: criteria provided, conflicting classifications (1 of 4 stars). 2 submissions from 2 submitters: Uncertain significance (1); Likely benign (1). Last evaluated 2026-01-09.

Allele frequency attached by ClinVar (database versions not stated): gnomAD exomes 0.00007 and 0.00018; ExAC 0.00012; TOPMed 0.00017; gnomAD 0.00018; ESP Exome Variant Server 0.00023; 1000 Genomes Project 0.00040; 1000 Genomes Project 30x 0.00047.
gnomAD v4.1: 129 of 1,613,972 alleles (0.008%); highest among the groups gnomAD compares: Admixed American, 0.027%; 1 homozygote.

Submissions (2):

Labcorp Genetics (formerly Invitae), Labcorp
Classification: Likely benign. Last evaluated: 2026-01-09. Review status: criteria provided, single submitter. Criteria: Invitae Variant Classification Sherloc (09022015). Collection method: clinical testing. Allele origin: germline.

GeneDx
Classification: Uncertain significance. Last evaluated: 2023-11-06. Review status: criteria provided, single submitter. Criteria: GeneDx Variant Classification Process June 2021. Collection method: clinical testing. Allele origin: germline. Affected: yes.
Comment: In silico analysis supports that this missense variant has a deleterious effect on protein structure/function; Has not been previously published as pathogenic or benign to our knowledge